The following is an entry in ClinVar:

NM_002951.5(RPN2):c.546G>T (p.Glu182Asp)

Gene: RPN2 (ribophorin II; plus strand). Cytogenetic location: 20q11.23.
Variant type: single nucleotide variant.
Coding change: c.546G>T on transcript NM_002951.5 (MANE Select); coding-DNA position 546, G replaced by T.
Protein change: p.Glu182Asp; replaces glutamic acid 182 with aspartic acid.
Molecular consequence: missense variant.
Genome position (GRCh38, 1-based): chr20:37,203,951, G>T. VCF-style: chr20-37203951-G-T. GRCh37 (hg19) VCF-style: chr20-35832354-G-T.
Other names: c.450G>T, p.Glu150Asp (NM_001135771.3); c.546G>T, p.Glu182Asp (NM_001324299.2, NM_001324302.2, NM_001324303.2 and 1 more transcripts); c.594G>T, p.Glu198Asp (NM_001324301.2, NM_001324305.2); c.75G>T, p.Glu25Asp (NM_001324306.2); short protein forms E150D, E25D, E182D, E198D.
Identifiers: ClinVar variation 2235080 (VCV002235080.5), dbSNP rs1326611754, ClinGen allele CA408843250.

ClinVar aggregate classification (germline): Uncertain significance. Review status: criteria provided, multiple submitters, no conflicts (2 of 4 stars). 2 submissions from 2 submitters: Uncertain significance (2). Last evaluated 2025-06-25.

Conditions:
Congenital disorder of glycosylation (CDG). Also called: Carbohydrate-deficient glycoprotein syndrome; Congenital disorders of glycosylation. Identifiers: Orphanet 137, MedGen C0282577, MONDO:0015286.

gnomAD v4.1: 6 of 1,613,132 alleles (0.00037%); highest among the groups gnomAD compares: Non-Finnish European, 0.00042%; no homozygotes.

Submissions (2):

Labcorp Genetics (formerly Invitae), Labcorp
Classification: Uncertain significance for Congenital disorder of glycosylation. Last evaluated: 2025-06-25. Review status: criteria provided, single submitter. Criteria: Invitae Variant Classification Sherloc (09022015). Collection method: clinical testing. Allele origin: germline.
Comment: This sequence change replaces glutamic acid, which is acidic and polar, with aspartic acid, which is acidic and polar, at codon 182 of the RPN2 protein (p.Glu182Asp). This variant is present in population databases (no rsID available, gnomAD 0.002%). This variant has not been reported in the literature in individuals affected with RPN2-related conditions. ClinVar contains an entry for this variant (Variation ID: 2235080). An algorithm developed to predict the effect of missense changes on protein structure and function (PolyPhen-2) suggests that this variant is likely to be disruptive. In summary, the available evidence is currently insufficient to determine the role of this variant in disease. Therefore, it has been classified as a Variant of Uncertain Significance.

Ambry Genetics
Classification: Uncertain significance. Last evaluated: 2021-07-06. Review status: criteria provided, single submitter. Criteria: Ambry Variant Classification Scheme 2023. Collection method: clinical testing. Allele origin: germline.